The following is an entry in ClinVar:

ClinVar aggregate classification (germline): Uncertain significance (1 of 4 stars; one submission).

Submission:

GeneDx
Classification: Uncertain significance. Last evaluated: 2023-02-24. Review status: criteria provided, single submitter. Criteria: GeneDx Variant Classification Process June 2021. Collection method: clinical testing. Allele origin: germline. Affected: yes.
Comment: Not observed at significant frequency in large population cohorts (gnomAD); In silico analysis supports that this missense variant has a deleterious effect on protein structure/function; Has not been previously published as pathogenic or benign to our knowledge

NM_000180.4(GUCY2D):c.2687G>A (p.Ser896Asn)

Gene: GUCY2D (guanylate cyclase 2D, retinal; plus strand). Cytogenetic location: 17p13.1.
Variant type: single nucleotide variant.
Coding change: c.2687G>A on transcript NM_000180.4 (MANE Select); coding-DNA position 2687, G replaced by A.
Protein change: p.Ser896Asn; replaces serine 896 with asparagine.
Molecular consequence: missense variant.
Genome position (GRCh38, 1-based): chr17:8,014,969, G>A. VCF-style: chr17-8014969-G-A. GRCh37 (hg19) VCF-style: chr17-7918287-G-A.
Other names: short protein forms S896N.
Identifiers: ClinVar variation 2577788 (VCV002577788.1), dbSNP rs2545426347, ClinGen allele CA397954099.